The following is an entry in ClinVar:

ClinVar aggregate classification (germline): Pathogenic (1 of 4 stars; one submission).

Submission:

Labcorp Genetics (formerly Invitae), Labcorp
Classification: Pathogenic. Last evaluated: 2023-09-23. Review status: criteria provided, single submitter. Criteria: Invitae Variant Classification Sherloc (09022015). Collection method: clinical testing. Allele origin: germline.
Comment: This sequence change creates a premature translational stop signal (p.Pro703Cysfs*6) in the ADNP gene. While this is not anticipated to result in nonsense mediated decay, it is expected to disrupt the last 400 amino acid(s) of the ADNP protein. This variant is not present in population databases (gnomAD no frequency). This variant has not been reported in the literature in individuals affected with ADNP-related conditions. This variant disrupts a region of the ADNP protein in which other variant(s) (p.Tyr719*) have been determined to be pathogenic (PMID: 28221363, 28708303). This suggests that this is a clinically significant region of the protein, and that variants that disrupt it are likely to be disease-causing. For these reasons, this variant has been classified as Pathogenic.

Literature cited by the submitters: PubMed 28221363; PubMed 28708303.

NM_001282531.3(ADNP):c.2103_2106dup (p.Pro703fs)

Gene: ADNP (activity dependent neuroprotector homeobox; minus strand). Cytogenetic location: 20q13.13.
Variant type: Duplication.
Coding change: c.2103_2106dup on transcript NM_001282531.3 (MANE Select); coding-DNA positions 2103 to 2106, 4 bases duplicated (TGCA; older notation c.2103_2106dupTGCA).
Protein change: p.Pro703fs; shifts the reading frame from proline 703.
Molecular consequence: frameshift variant.
Genome position (GRCh38, 1-based): chr20:50,892,608-50,892,611, TGCA duplicated on the plus strand (TGCA on the coding strand, the reverse complement: ADNP is on the minus strand); duplicating any 4 consecutive bases within chr20:50,892,608-50,892,612 gives the same sequence; the c. name uses the placement nearest the transcript's 3' end. VCF-style (leftmost placement, unchanged base first): chr20-50892607-G-GTGCA. GRCh37 (hg19) VCF-style: chr20-49509144-G-GTGCA.
Other names: c.2103_2106dup, p.Pro703fs (NM_001282532.2, NM_001347511.2, NM_015339.5 and 1 more transcripts); short protein forms P703fs.
Identifiers: ClinVar variation 2759035 (VCV002759035.3), dbSNP rs2515580879, ClinGen allele CA2697547429.